The following is an entry in ClinVar:

NM_015466.4(PTPN23):c.4052A>G (p.His1351Arg)

Gene: PTPN23 (protein tyrosine phosphatase non-receptor type 23; plus strand). Cytogenetic location: 3p21.31.
Variant type: single nucleotide variant.
Coding change: c.4052A>G on transcript NM_015466.4 (MANE Select); coding-DNA position 4052, A replaced by G.
Protein change: p.His1351Arg; replaces histidine 1351 with arginine.
Molecular consequence: missense variant.
Genome position (GRCh38, 1-based): chr3:47,411,946, A>G. VCF-style: chr3-47411946-A-G. GRCh37 (hg19) VCF-style: chr3-47453436-A-G.
Other names: c.3674A>G, p.His1225Arg (NM_001304482.2); short protein forms H1225R, H1351R.
Identifiers: ClinVar variation 1320049 (VCV001320049.2), dbSNP rs770830112, ClinGen allele CA2366432.

ClinVar aggregate classification (germline): Uncertain significance. Review status: criteria provided, multiple submitters, no conflicts (2 of 4 stars). 2 submissions from 2 submitters: Uncertain significance (2). Last evaluated 2021-12-14.

Conditions:
Neurodevelopmental disorder and structural brain anomalies with or without seizures and spasticity. Identifiers: MedGen C5394423, MONDO:0030046, OMIM 618890.

Allele frequency attached by ClinVar (database versions not stated): gnomAD exomes below 0.00001; ExAC 0.00001.
gnomAD v4.1: 1 of 1,612,132 alleles (0.000062%); highest among the groups gnomAD compares: East Asian, 0.0022%; no homozygotes.

Submissions (2):

Blueprint Genetics
Classification: Uncertain significance. Last evaluated: 2021-12-14. Review status: criteria provided, single submitter. Criteria: ACMG Guidelines, 2015. Collection method: clinical testing. Allele origin: germline.

3billion
Classification: Uncertain significance for Neurodevelopmental disorder and structural brain anomalies with or without seizures and spasticity. Last evaluated: 2021-10-02. Review status: criteria provided, single submitter. Criteria: ACMG Guidelines, 2015. Collection method: clinical testing. Allele origin: unknown. Affected: yes. Observed: 1 heterozygote.
Comment: The missense variant is located in a mutational hot spot and/or well-established functional domain in which established pathogenic variants have been reported (PM1). It is observed at an extremely low frequency in the gnomAD v2.1.1 dataset (total allele frequency: 0.000004, PM2). Missense changes are a common disease-causing mechanism (PP2). In silico tool predictions suggest no damaging effect of the variant on gene or gene product (REVEL: 0.237; 3Cnet: 0.558, BP4). Therefore, this variant is classified as uncertain significance according to the recommendation of ACMG/AMP guideline.